The following is an entry in ClinVar:

NM_015140.4(TTLL12):c.711G>A (p.Glu237=)

Gene: TTLL12 (tubulin tyrosine ligase like 12; minus strand). Cytogenetic location: 22q13.2.
Variant type: single nucleotide variant.
Coding change: c.711G>A on transcript NM_015140.4 (MANE Select); coding-DNA position 711, G replaced by A.
Protein change: p.Glu237=; no amino-acid change (glutamic acid 237 retained).
Molecular consequence: synonymous variant.
Genome position (GRCh38, 1-based): chr22:43,179,748, C>T on the plus strand (G>A on the coding strand, the complement: TTLL12 is on the minus strand). VCF-style: chr22-43179748-C-T. GRCh37 (hg19) VCF-style: chr22-43575754-C-T.
Identifiers: ClinVar variation 2653265 (VCV002653265.24), dbSNP rs2147074196, ClinGen allele CA515081591.

ClinVar aggregate classification (germline): Likely benign (1 of 4 stars; one submission).

Submission:

CeGaT Center for Human Genetics Tuebingen
Classification: Likely benign. Last evaluated: 2023-01-01. Review status: criteria provided, single submitter. Criteria: CeGaT Center For Human Genetics Tuebingen Variant Classification Criteria Version 2. Collection method: clinical testing. Allele origin: germline. Affected: yes. Observed: 1 variant allele.
Comment: TTLL12: PM2:Supporting, BP4, BP7